The following is an entry in ClinVar:

ClinVar aggregate classification (germline): Uncertain significance (1 of 4 stars; one submission).

Conditions:
Neurodevelopmental disorder. Identifiers: MedGen C1535926, MeSH D065886, MONDO:0700092.

gnomAD v4.1: 1 of 1,198,661 alleles (0.000083%); highest among the groups gnomAD compares: Non-Finnish European, 0.00011%; no homozygotes.

Submission:

Developmental Brain Disorders Lab, Seattle Children's Hospital
Classification: Uncertain significance for Neurodevelopmental disorder. Last evaluated: 2025-05-01. Review status: criteria provided, single submitter. Criteria: ACMG Guidelines, 2015. Collection method: research. Allele origin: maternal. Affected: yes.
Comment: This is a missense variant that is absent in gnomAD v4.1.0. It meets ACMG variant classification criteria (PM2) (PMID:25741868)

NM_001282874.2(SMARCA1):c.2471C>T (p.Pro824Leu)

Gene: SMARCA1 (SNF2 related chromatin remodeling ATPase 1; minus strand). Cytogenetic location: Xq25.
Variant type: single nucleotide variant.
Coding change: c.2471C>T on transcript NM_001282874.2 (MANE Select); coding-DNA position 2471, C replaced by T.
Protein change: p.Pro824Leu; replaces proline 824 with leucine.
Molecular consequence: missense variant.
Genome position (GRCh38, 1-based): chrX:129,471,298, G>A on the plus strand (C>T on the coding strand, the complement: SMARCA1 is on the minus strand). VCF-style: chrX-129471298-G-A. GRCh37 (hg19) VCF-style: chrX-128605275-G-A.
Other names: c.2435C>T, p.Pro812Leu (NM_001282875.2, NM_001378262.1, NM_001378263.1 and 1 more transcripts); c.2471C>T, p.Pro824Leu (NM_001378261.1, NM_003069.5); short protein forms P812L, P824L.
Identifiers: ClinVar variation 3901133 (VCV003901133.1).
Genomic context (GRCh38, chrX:129,471,298, plus strand): 5'-TCTGGTGTAAGAGGTTCAGCTCCATCAATCTTTTTTTGCTCTTCTCTTTGAGCCAGAGCT[G>A]GATTTGGGATATCAGGATTCCTTGGAACCTATAAATCAAGAGATAAACTAAGAGTAAACT-3'
Protein context (NP_001269803.1, residues 814-834): KVPRNPDIPN[Pro824Leu]ALAQREEQKK